The following is an entry in ClinVar:

ClinVar aggregate classification (germline): Uncertain significance (1 of 4 stars; one submission).

Conditions:
MACF1-related disorder. Also called: MACF1-related condition.

Allele frequency attached by ClinVar (database versions not stated): gnomAD 0.00001.

Submission:

PreventionGenetics, part of Exact Sciences
Classification: Uncertain significance for MACF1-related condition. Last evaluated: 2022-09-23. Review status: criteria provided, single submitter. Criteria: ACMG Guidelines, 2015. Collection method: clinical testing. Allele origin: germline.
Comment: The MACF1 c.9230A>G variant is predicted to result in the amino acid substitution p.Asp3077Gly. To our knowledge, this variant has not been reported in the literature. This variant is reported in 0.029% of alleles in individuals of European (Finnish) descent in gnomAD (one allele). At this time, the clinical significance of this variant is uncertain due to the absence of conclusive functional and genetic evidence.

NM_001394062.1(MACF1):c.15416A>G (p.Asp5139Gly)

Gene: MACF1 (microtubule actin crosslinking factor 1; plus strand). Cytogenetic location: 1p34.3.
Variant type: single nucleotide variant.
Coding change: c.15416A>G on transcript NM_001394062.1 (MANE Select); coding-DNA position 15416, A replaced by G.
Protein change: p.Asp5139Gly; replaces aspartic acid 5139 with glycine.
Molecular consequence: missense variant.
Genome position (GRCh38, 1-based): chr1:39,388,258, A>G. VCF-style: chr1-39388258-A-G. GRCh37 (hg19) VCF-style: chr1-39853930-A-G.
Other names: c.9230A>G, p.Asp3077Gly (NM_012090.5); short protein forms D3077G, D5139G.
Identifiers: ClinVar variation 2637404 (VCV002637404.1), dbSNP rs781758035, ClinGen allele CA339745419.
Genomic context (GRCh38, chr1:39,388,258, plus strand): 5'-AGGGGATTGGCCAGTTTCACTGCCGGGTCCGAGAGATGTTCTCTCAATTGGCAGACCTGG[A>G]TGATGAGCTAGATGGCATGGGTGCTATTGGCAGAGACACTGATAGCCTCCAGTCCCAAAT-3'
Protein context (NP_001380991.1, residues 5129-5149): REMFSQLADL[Asp5139Gly]DELDGMGAIG